The following is an entry in ClinVar:

ClinVar aggregate classification (germline): Uncertain significance (1 of 4 stars; one submission).

Allele frequency attached by ClinVar (database versions not stated): gnomAD exomes below 0.00001; ExAC 0.00001; TOPMed 0.00001; ESP Exome Variant Server 0.00008.
gnomAD v4.1: 5 of 1,612,952 alleles (0.00031%); highest among the groups gnomAD compares: Non-Finnish European, 0.00042%; no homozygotes.

Submission:

Labcorp Genetics (formerly Invitae), Labcorp
Classification: Uncertain significance. Last evaluated: 2021-08-25. Review status: criteria provided, single submitter. Criteria: Invitae Variant Classification Sherloc (09022015). Collection method: clinical testing. Allele origin: germline.
Comment: This sequence change replaces alanine with threonine at codon 535 of the SLC12A1 protein (p.Ala535Thr). The alanine residue is highly conserved and there is a small physicochemical difference between alanine and threonine. This variant is present in population databases (rs376791515, ExAC 0.002%). This variant has not been reported in the literature in individuals affected with SLC12A1-related conditions. Algorithms developed to predict the effect of missense changes on protein structure and function are either unavailable or do not agree on the potential impact of this missense change (SIFT: "Deleterious"; PolyPhen-2: "Probably Damaging"; Align-GVGD: "Class C0"). In summary, the available evidence is currently insufficient to determine the role of this variant in disease. Therefore, it has been classified as a Variant of Uncertain Significance.

NM_000338.3(SLC12A1):c.1603G>A (p.Ala535Thr)

Gene: SLC12A1 (solute carrier family 12 member 1; plus strand). Cytogenetic location: 15q21.1.
Variant type: single nucleotide variant.
Coding change: c.1603G>A on transcript NM_000338.3 (MANE Select); coding-DNA position 1603, G replaced by A.
Protein change: p.Ala535Thr; replaces alanine 535 with threonine.
Molecular consequence: missense variant.
Genome position (GRCh38, 1-based): chr15:48,247,379, G>A. VCF-style: chr15-48247379-G-A. GRCh37 (hg19) VCF-style: chr15-48539576-G-A.
Other names: c.1603G>A, p.Ala535Thr (NM_001184832.2, NM_001384136.1); short protein forms A535T.
Identifiers: ClinVar variation 1375831 (VCV001375831.3), dbSNP rs376791515, ClinGen allele CA7547154.